The following is an entry in ClinVar:

NM_003070.5(SMARCA2):c.816G>A (p.Pro272=)

Gene: SMARCA2 (SWI/SNF related BAF chromatin remodeling complex subunit ATPase 2; plus strand). Cytogenetic location: 9p24.3.
Variant type: single nucleotide variant.
Coding change: c.816G>A on transcript NM_003070.5 (MANE Select); coding-DNA position 816, G replaced by A.
Protein change: p.Pro272=; no amino-acid change (proline 272 retained).
Molecular consequence: synonymous variant.
Genome position (GRCh38, 1-based): chr9:2,047,254, G>A. VCF-style: chr9-2047254-G-A. GRCh37 (hg19) VCF-style: chr9-2047254-G-A.
Other names: c.816G>A, p.Pro272= (NM_001289396.2, NM_001289397.2, NM_139045.4).
Identifiers: ClinVar variation 1676117 (VCV001676117.33), dbSNP rs1272928913, ClinGen allele CA463707519.

ClinVar aggregate classification (germline): Likely benign. Review status: criteria provided, multiple submitters, no conflicts (2 of 4 stars). 2 submissions from 2 submitters: Likely benign (2). Last evaluated 2025-08-25.

Allele frequency attached by ClinVar (database versions not stated): gnomAD 0.00001.
gnomAD v4.1: 3 of 1,008,506 alleles (0.0003%); highest among the groups gnomAD compares: Non-Finnish European, 0.00035%; no homozygotes.

Submissions (2):

Labcorp Genetics (formerly Invitae), Labcorp
Classification: Likely benign. Last evaluated: 2025-08-25. Review status: criteria provided, single submitter. Criteria: Invitae Variant Classification Sherloc (09022015). Collection method: clinical testing. Allele origin: germline.

CeGaT Center for Human Genetics Tuebingen
Classification: Likely benign. Last evaluated: 2022-03-01. Review status: criteria provided, single submitter. Criteria: CeGaT Center For Human Genetics Tuebingen Variant Classification Criteria Version 2. Collection method: clinical testing. Allele origin: germline. Affected: yes. Observed: 1 variant allele.
Comment: SMARCA2: BP4, BP7